The following is an entry in ClinVar:

NM_001252024.2(TRPM1):c.3787G>A (p.Asp1263Asn)

Gene: TRPM1 (transient receptor potential cation channel subfamily M member 1; minus strand). Cytogenetic location: 15q13.3.
Variant type: single nucleotide variant.
Coding change: c.3787G>A on transcript NM_001252024.2 (MANE Select); coding-DNA position 3787, G replaced by A.
Protein change: p.Asp1263Asn; replaces aspartic acid 1263 with asparagine.
Molecular consequence: missense variant.
Genome position (GRCh38, 1-based): chr15:31,002,913, C>T on the plus strand (G>A on the coding strand, the complement: TRPM1 is on the minus strand). VCF-style: chr15-31002913-C-T. GRCh37 (hg19) VCF-style: chr15-31295116-C-T.
Other names: c.3838G>A, p.Asp1280Asn (NM_001252020.2); c.3721G>A, p.Asp1241Asn (NM_002420.6); short protein forms D1280N, D1263N, D1241N.
Identifiers: ClinVar variation 1524563 (VCV001524563.9), dbSNP rs888048078, ClinGen allele CA267497413.

ClinVar aggregate classification (germline): Uncertain significance. Review status: criteria provided, multiple submitters, no conflicts (2 of 4 stars). 2 submissions from 2 submitters: Uncertain significance (2). Last evaluated 2025-04-21.

Allele frequency attached by ClinVar (database versions not stated): gnomAD 0.00007 and 0.00008; TOPMed 0.00009.
gnomAD v4.1: 16 of 1,609,068 alleles (0.00099%); highest among the groups gnomAD compares: African/African-American, 0.019%; no homozygotes.

Submissions (2):

Labcorp Genetics (formerly Invitae), Labcorp
Classification: Uncertain significance. Last evaluated: 2025-04-21. Review status: criteria provided, single submitter. Criteria: Invitae Variant Classification Sherloc (09022015). Collection method: clinical testing. Allele origin: germline.
Comment: This sequence change replaces aspartic acid, which is acidic and polar, with asparagine, which is neutral and polar, at codon 1241 of the TRPM1 protein (p.Asp1241Asn). This variant is present in population databases (no rsID available, gnomAD 0.02%). This variant has not been reported in the literature in individuals affected with TRPM1-related conditions. ClinVar contains an entry for this variant (Variation ID: 1524563). Invitae Evidence Modeling of protein sequence and biophysical properties (such as structural, functional, and spatial information, amino acid conservation, physicochemical variation, residue mobility, and thermodynamic stability) indicates that this missense variant is not expected to disrupt TRPM1 protein function with a negative predictive value of 95%. In summary, the available evidence is currently insufficient to determine the role of this variant in disease. Therefore, it has been classified as a Variant of Uncertain Significance.

Blueprint Genetics
Classification: Uncertain significance. Last evaluated: 2022-05-19. Review status: criteria provided, single submitter. Criteria: ACMG Guidelines, 2015. Collection method: clinical testing. Allele origin: germline.